The following is an entry in ClinVar:

ClinVar aggregate classification (germline): Benign (1 of 4 stars; one submission).

Conditions:
Familial adenomatous polyposis 1 (FAP1). Also called: POLYPOSIS, ADENOMATOUS INTESTINAL; FAMILIAL ADENOMATOUS POLYPOSIS 1, ATTENUATED. Identifiers: MedGen C2713442, MONDO:0021056, OMIM 175100. Disease mechanism: loss of function.

Submission:

Myriad Genetics, Inc.
Classification: Benign for Familial adenomatous polyposis 1. Last evaluated: 2024-02-23. Review status: criteria provided, single submitter. Criteria: Myriad Autosomal Dominant, Autosomal Recessive and X-Linked Classification Criteria (2023). Collection method: clinical testing. Allele origin: unknown.
Comment: This variant is considered benign. This variant is a silent/synonymous amino acid change and it is not expected to impact splicing.

NM_000038.6(APC):c.366G>C (p.Gly122=)

Gene: APC (APC regulator of Wnt signaling pathway; plus strand). Cytogenetic location: 5q22.2.
Variant type: single nucleotide variant.
Coding change: c.366G>C on transcript NM_000038.6 (MANE Select); coding-DNA position 366, G replaced by C.
Protein change: p.Gly122=; no amino-acid change (glycine 122 retained).
Molecular consequence: synonymous variant. On other transcripts: 5 prime UTR variant (4), non-coding transcript variant (2).
Genome position (GRCh38, 1-based): chr5:112,767,334, G>C. VCF-style: chr5-112767334-G-C. GRCh37 (hg19) VCF-style: chr5-112103031-G-C.
Other names: c.366G>C, p.Gly122= (NM_001127510.3, NM_001354895.2, NM_001354896.2 and 16 more transcripts); c.396G>C, p.Gly132= (NM_001127511.3, NM_001354897.2, NM_001354902.2 and 1 more transcripts); c.291G>C, p.Gly97= (NM_001354898.2, NM_001354904.2, NM_001407451.1); c.189G>C, p.Gly63= (NM_001354900.2, NM_001354901.2, NM_001354905.2 and 1 more transcripts); c.-670G>C (NM_001354906.2, NM_001407470.1, NM_001407471.1 and 1 more transcripts).
Identifiers: ClinVar variation 3148412 (VCV003148412.1), dbSNP rs2149789346, ClinGen allele CA445753386.